The following is an entry in ClinVar:

NM_012238.5(SIRT1):c.196G>T (p.Gly66Cys)

Genes: SIRT1 (sirtuin 1; plus strand), LOC107832851 (SIRT1 promoter region; plus strand). Cytogenetic location: 10q21.3.
Variant type: single nucleotide variant.
Coding change: c.196G>T on transcript NM_012238.5 (MANE Select); coding-DNA position 196, G replaced by T.
Protein change: p.Gly66Cys; replaces glycine 66 with cysteine.
Molecular consequence: missense variant.
Genome position (GRCh38, 1-based): chr10:67,884,917, G>T. VCF-style: chr10-67884917-G-T. GRCh37 (hg19) VCF-style: chr10-69644675-G-T.
Other names: short protein forms G66C.
Identifiers: ClinVar variation 2042819 (VCV002042819.5), dbSNP rs531048058, ClinGen allele CA5520976.

ClinVar aggregate classification (germline): Uncertain significance (1 of 4 stars; one submission).

Allele frequency attached by ClinVar (database versions not stated): 1000 Genomes Project 0.00120; TOPMed 0.00261; ExAC 0.12500.

Submissions (2):

Labcorp Genetics (formerly Invitae), Labcorp
Classification: Uncertain significance. Last evaluated: 2026-01-26. Review status: criteria provided, single submitter. Criteria: Invitae Variant Classification Sherloc (09022015). Collection method: clinical testing. Allele origin: germline.
Comment: This sequence change replaces glycine, which is neutral and non-polar, with cysteine, which is neutral and slightly polar, at codon 66 of the SIRT1 protein (p.Gly66Cys). The frequency data for this variant in the population databases is considered unreliable, as metrics indicate poor data quality at this position in the gnomAD database. This variant has not been reported in the literature in individuals affected with SIRT1-related conditions. ClinVar contains an entry for this variant (Variation ID: 2042819). An algorithm developed to predict the effect of missense changes on protein structure and function (PolyPhen-2) suggests that this variant is likely to be disruptive. In summary, the available evidence is currently insufficient to determine the role of this variant in disease. Therefore, it has been classified as a Variant of Uncertain Significance.

Dr. Peter K. Rogan Lab, Western University
No classification provided (evidence only). Condition: Sarcoma. Review status: no classification provided. Collection method: in vitro. Allele origin: not applicable. Functional consequence: retained intron. Not counted in ClinVar's aggregate classification.